The following is an entry in ClinVar:

NM_016507.4(CDK12):c.4232C>T (p.Ala1411Val)

Gene: CDK12 (cyclin dependent kinase 12; plus strand). Cytogenetic location: 17q12.
Variant type: single nucleotide variant.
Coding change: c.4232C>T on transcript NM_016507.4 (MANE Select); coding-DNA position 4232, C replaced by T.
Protein change: p.Ala1411Val; replaces alanine 1411 with valine.
Molecular consequence: missense variant.
Genome position (GRCh38, 1-based): chr17:39,531,075, C>T. VCF-style: chr17-39531075-C-T. GRCh37 (hg19) VCF-style: chr17-37687328-C-T.
Other names: c.4205C>T, p.Ala1402Val (NM_015083.4); short protein forms A1402V, A1411V.
Identifiers: ClinVar variation 3830670 (VCV003830670.1).
Genomic context (GRCh38, chr17:39,531,075, plus strand): 5'-GCACAGGGTCAGTGCAGTTTCCAGGGGACCAGGACCTCCGTTTTGCCAGGGTCCCCTTAG[C>T]GTTACACCCGGTGGTCGGGCAACCATTCCTGAAGGCTGAGGGAAGCAGCAATTCTGTGGT-3'
Protein context (NP_057591.2, residues 1401-1421): QDLRFARVPL[Ala1411Val]LHPVVGQPFL

ClinVar aggregate classification (germline): Uncertain significance (1 of 4 stars; one submission).

Submission:

Ambry Genetics
Classification: Uncertain significance. Last evaluated: 2025-02-15. Review status: criteria provided, single submitter. Criteria: Ambry Variant Classification Scheme 2023. Collection method: clinical testing. Allele origin: germline.
Comment: The p.A1411V variant (also known as c.4232C>T), located in coding exon 14 of the CDK12 gene, results from a C to T substitution at nucleotide position 4232. The alanine at codon 1411 is replaced by valine, an amino acid with similar properties. This amino acid position is conserved. In addition, this alteration is predicted to be tolerated by in silico analysis. Based on the available evidence, the clinical significance of this variant remains unclear.